The following is an entry in ClinVar:

ClinVar aggregate classification (germline): Pathogenic. Review status: reviewed by expert panel (3 of 4 stars). 8 submissions from 8 submitters: Pathogenic (1). 7 of the submissions do not count toward it. Last evaluated 2024-08-13.

Conditions:
Hereditary von Willebrand disease. Identifiers: Orphanet 903, MedGen C5703318, MONDO:0019565. Inheritance: Autosomal recessive or Autosomal dominant.
von Willebrand disease type 2 (VWD2). Also called: VWD, TYPE 2; VON WILLEBRAND DISEASE, TYPE II; VON WILLEBRAND DISEASE, TYPE 2A/IIE; VON WILLEBRAND DISEASE, TYPE 2CB. Identifiers: Orphanet 166081, Orphanet 903, MedGen C1264040, MONDO:0013304, OMIM 613554.
von Willebrand disease type 2N (VWD2N). Identifiers: Orphanet 166093, MedGen C1282975, MONDO:0015631.
Abnormal bleeding. Also called: Bleeding diathesis. Identifiers: MedGen C1458140, HP:0001892.

Allele frequency attached by ClinVar (database versions not stated): gnomAD 0.00001; gnomAD exomes 0.00001; TOPMed 0.00002.
gnomAD v4.1: 29 of 1,614,030 alleles (0.0018%); highest among the groups gnomAD compares: Admixed American, 0.0033%; no homozygotes.

Submissions (8):

ClinGen von Willebrand Disease Variant Curation Expert Panel, ClinGen
Classification: Pathogenic for von Willebrand disease type 2N. Last evaluated: 2024-08-13. Review status: reviewed by expert panel. Criteria: ClinGen VWD 2N Rules. Collection method: curation. Allele origin: germline. Inheritance: Autosomal recessive inheritance.
Comment: The NM_000552.4(VWF):c.2372C>T variant in VWF is a missense variant predicted to cause substitution of threonine by methionine at amino acid 791. The Grpmax filtering allele frequency in gnomAD v4.1 is 0.000006150 (based on 2/64030alleles in European non-Finnish population), which is lower than the ClinGen VWD VCEP threshold <0.005 for PM2_Supporting, meeting this criterion (PM2_Supporting). At least four patients with this variant displayed excessive mucocutaneous bleeding as well as a low VWF:FVIII/VWF:Ag ratio which is highly specific for VWD type 2N (PP4_moderate, PMIDs: 2018834; 31741138; 22871923; 10706867). This variant has been detected in at least six individuals with VWD type 2N, with absent VWF:FVIII binding, compound heterozygous with a second variant (including Arg854Gln classified Pathogenic by the VWD VCEP without reported confirmation of trans phase 0.5pt PMID: 22102197) and two individuals were homozygous for the variant (PMIDs: 2018834; 22871923) (PM3). Factor VIII binding assay in HEK293 expressing recombinant VWF showed decreased binding indicating that this variant has a damaging effect on protein function (PMID: 19088379; PS3_supporting). The computational predictor REVEL gives a score of 0.869, which is above the ClinGen VWD VCEP threshold of >0.644 and predicts a damaging effect on VWF function (PP3). In summary, this variant meets the criteria to be classified as pathogenic for von Willebrand disease type 2N. ACMG/AMP criteria applied as specified by the ClinGen von Willebrand disease Variant Curation Expert Panel: PM2_supporting, PP4_moderate, PM3, PS3, PP3.

Quest Diagnostics Nichols Institute San Juan Capistrano
Classification: Pathogenic. Last evaluated: 2024-06-04. Review status: criteria provided, single submitter. Criteria: Quest Diagnostics criteria. Collection method: clinical testing. Allele origin: unknown. Not counted in ClinVar's aggregate classification.
Comment: The VWF c.2372C>T (p.Thr791Met) variant has been reported in the published literature in individuals with von Willebrand disease Type 2N (PMIDs: 8500791 (1993), 8903002 (1996), 22871923 (2012), 28536718 (2017), 31939074 (2020), and 33248318 (2021)). Hematological data and functional studies have shown that this variant causes a defect in FactorVIII binding (PMIDs: 1906179 (1991), 22871923 (2012), and 33248318 (2021)) and reduced binding to myosin (PMID: 31935285 (2020)) and fibronectin (PMID: 34136746 (2021)). The frequency of this variant in the general population, 0.000011 (3/282786 chromosomes (Genome Aggregation Database)), is uninformative in the assessment of its pathogenicity. Analysis of this variant using bioinformatics tools for the prediction of the effect of amino acid changes on protein structure and function yielded predictions that this variant is damaging. Based on the available information, this variant is classified as pathogenic.

Mayo Clinic Laboratories, Mayo Clinic
Classification: Pathogenic. Last evaluated: 2023-08-08. Review status: criteria provided, single submitter. Criteria: ACMG Guidelines, 2015. Collection method: clinical testing. Allele origin: germline. Observed: 1 variant allele. Not counted in ClinVar's aggregate classification.
Comment: PP1_moderate, PP3, PM2_moderate, PS3, PS4_moderate

Laboratory of Hematology, Radboud University Medical Center
Classification: Pathogenic for von Willebrand disease type 2. Last evaluated: 2020-12-10. Review status: criteria provided, single submitter. Criteria: ACMG Guidelines, 2015. Collection method: research. Allele origin: germline. Affected: yes. Observed: 1 variant allele. Study: WIN study. Not counted in ClinVar's aggregate classification.

NIHR Bioresource Rare Diseases, University of Cambridge
Classification: Likely pathogenic for Abnormal bleeding. Last evaluated: 2019-02-01. Review status: criteria provided, single submitter. Criteria: ACMG Guidelines, 2015. Collection method: research. Allele origin: unknown. Affected: yes. Observed: 1 compound heterozygote. Study: ThromboGenomics. Not counted in ClinVar's aggregate classification.

OMIM
Classification: Pathogenic for VON WILLEBRAND DISEASE, TYPE 2N. Last evaluated: 2010-05-01. Review status: no assertion criteria provided. Collection method: literature only. Allele origin: germline. Not counted in ClinVar's aggregate classification.

Academic Unit of Haematology, University of Sheffield
No classification provided. Review status: no classification provided. Collection method: not provided. Allele origin: not provided. Not counted in ClinVar's aggregate classification.

GeneReviews
No classification provided. Condition: von Willebrand disorder. Review status: no classification provided. Collection method: literature only. Allele origin: germline. Not counted in ClinVar's aggregate classification.

Literature cited by the submitters: PubMed 2018834 (cited by 3 submitters); PubMed 21371195 (cited by Quest Diagnostics Nichols Institute San Juan Capistrano and Mayo Clinic Laboratories, Mayo Clinic); PubMed 10494764 (cited by Quest Diagnostics Nichols Institute San Juan Capistrano and Mayo Clinic Laboratories, Mayo Clinic); PubMed 8903002 (cited by Quest Diagnostics Nichols Institute San Juan Capistrano and Mayo Clinic Laboratories, Mayo Clinic); PubMed 8500791 (cited by 3 submitters); PubMed 1906179 (cited by 3 submitters); PubMed 22871923 (cited by Quest Diagnostics Nichols Institute San Juan Capistrano and Mayo Clinic Laboratories, Mayo Clinic); PubMed 31064749 (cited by 3 submitters); PubMed 31939074 (cited by Quest Diagnostics Nichols Institute San Juan Capistrano); PubMed 33248318 (cited by Quest Diagnostics Nichols Institute San Juan Capistrano); PubMed 34136746 (cited by Quest Diagnostics Nichols Institute San Juan Capistrano); PubMed 30036281 (cited by Quest Diagnostics Nichols Institute San Juan Capistrano); PubMed 31935285 (cited by Quest Diagnostics Nichols Institute San Juan Capistrano); PubMed 28536718 (cited by Quest Diagnostics Nichols Institute San Juan Capistrano); PubMed 33285477 (cited by Quest Diagnostics Nichols Institute San Juan Capistrano); PubMed 33497541 (cited by Quest Diagnostics Nichols Institute San Juan Capistrano); PubMed 34494337 (cited by Quest Diagnostics Nichols Institute San Juan Capistrano); PubMed 2104761 (cited by Mayo Clinic Laboratories, Mayo Clinic and OMIM); PubMed 20409624 (cited by OMIM); NCBI Bookshelf NBK7014 (cited by GeneReviews).

NM_000552.5(VWF):c.2372C>T (p.Thr791Met)

Gene: VWF (von Willebrand factor; minus strand). Cytogenetic location: 12p13.31.
Variant type: single nucleotide variant.
Coding change: c.2372C>T on transcript NM_000552.5 (MANE Select); coding-DNA position 2372, C replaced by T.
Protein change: p.Thr791Met; replaces threonine 791 with methionine.
Molecular consequence: missense variant.
Genome position (GRCh38, 1-based): chr12:6,044,361, G>A on the plus strand (C>T on the coding strand, the complement: VWF is on the minus strand). VCF-style: chr12-6044361-G-A. GRCh37 (hg19) VCF-style: chr12-6153527-G-A.
Other names: p.T791M; NM_000552.4(VWF):c.2372C>T; c.2372C>T (NM_000552.4); short protein forms T791M.
Identifiers: ClinVar variation 294 (VCV000000294.10), dbSNP rs61748477, ClinGen allele CA114135.